The following is an entry in ClinVar:

NM_032608.7(MYO18B):c.1917G>C (p.Met639Ile)

Gene: MYO18B (myosin XVIIIB; plus strand). Cytogenetic location: 22q12.1.
Variant type: single nucleotide variant.
Coding change: c.1917G>C on transcript NM_032608.7 (MANE Select); coding-DNA position 1917, G replaced by C.
Protein change: p.Met639Ile; replaces methionine 639 with isoleucine.
Molecular consequence: missense variant.
Genome position (GRCh38, 1-based): chr22:25,777,630, G>C. VCF-style: chr22-25777630-G-C. GRCh37 (hg19) VCF-style: chr22-26173597-G-C.
Other names: c.1917G>C, p.Met639Ile (NM_001318245.2); short protein forms M639I.
Identifiers: ClinVar variation 1505683 (VCV001505683.3), dbSNP rs964054580, ClinGen allele CA322763052.

ClinVar aggregate classification (germline): Uncertain significance (1 of 4 stars; one submission).

Allele frequency attached by ClinVar (database versions not stated): gnomAD exomes below 0.00001; gnomAD 0.00063; TOPMed 0.00078.
gnomAD v4.1: 91 of 1,609,584 alleles (0.0057%); highest among the groups gnomAD compares: Non-Finnish European, 0.00034%; 3 homozygotes.

Submission:

Labcorp Genetics (formerly Invitae), Labcorp
Classification: Uncertain significance. Last evaluated: 2022-08-23. Review status: criteria provided, single submitter. Criteria: Invitae Variant Classification Sherloc (09022015). Collection method: clinical testing. Allele origin: germline.
Comment: This sequence change replaces methionine, which is neutral and non-polar, with isoleucine, which is neutral and non-polar, at codon 639 of the MYO18B protein (p.Met639Ile). This variant is present in population databases (no rsID available, gnomAD 0.007%). This variant has not been reported in the literature in individuals affected with MYO18B-related conditions. ClinVar contains an entry for this variant (Variation ID: 1505683). Algorithms developed to predict the effect of missense changes on protein structure and function are either unavailable or do not agree on the potential impact of this missense change (SIFT: "Not Available"; PolyPhen-2: "Benign"; Align-GVGD: "Not Available"). In summary, the available evidence is currently insufficient to determine the role of this variant in disease. Therefore, it has been classified as a Variant of Uncertain Significance.